The following is an entry in ClinVar:

NM_153212.3(GJB4):c.307C>T (p.Arg103Cys)

Gene: GJB4 (gap junction protein beta 4; plus strand). Cytogenetic location: 1p34.3.
Variant type: single nucleotide variant.
Coding change: c.307C>T on transcript NM_153212.3 (MANE Select); coding-DNA position 307, C replaced by T.
Protein change: p.Arg103Cys; replaces arginine 103 with cysteine.
Molecular consequence: missense variant.
Genome position (GRCh38, 1-based): chr1:34,761,561, C>T. VCF-style: chr1-34761561-C-T. GRCh37 (hg19) VCF-style: chr1-35227162-C-T.
Other names: c.307C>T (NM_153212.2); short protein forms R103C.
Identifiers: ClinVar variation 1614918 (VCV001614918.10), dbSNP rs9426009, ClinGen allele CA754546.
Genomic context (GRCh38, chr1:34,761,561, plus strand): 5'-CTGGTCACGTGCCCCTCACTGCTCGTGGTCATGCACGTGGCCTACCGCGAGGAACGCGAG[C>T]GCAAGCACCACCTGAAACACGGGCCCAATGCCCCGTCCCTGTACGACAACCTGAGCAAGA-3'
Protein context (NP_694944.1, residues 93-113): MHVAYREERE[Arg103Cys]KHHLKHGPNA

ClinVar aggregate classification (germline): Benign. Review status: criteria provided, multiple submitters, no conflicts (2 of 4 stars). 3 submissions from 3 submitters: Benign (3). Last evaluated 2026-06-12.

Conditions:
GJB4-related disorder. Also called: GJB4-related condition.

Allele frequency attached by ClinVar (database versions not stated): 1000 Genomes Project 0.00958; 1000 Genomes Project 30x 0.00968; TOPMed 0.01518; gnomAD 0.01854 and 0.01890; ExAC 0.01858; gnomAD exomes 0.01874 and 0.02484; ESP Exome Variant Server 0.02022.
gnomAD v4.1: 38,871 of 1,614,208 alleles (2.4%); highest among the groups gnomAD compares: Non-Finnish European, 2.8%; 524 homozygotes.

Submissions (3):

PreventionGenetics, part of Exact Sciences
Classification: Benign for GJB4-related condition. Last evaluated: 2026-06-12. Review status: criteria provided, single submitter. Criteria: ACMG Guidelines, 2015. Collection method: clinical testing. Allele origin: germline.
Comment: This variant is classified as benign based on ACMG/AMP sequence variant interpretation guidelines (Richards et al. 2015 PMID: 25741868, with internal and published modifications).

Labcorp Genetics (formerly Invitae), Labcorp
Classification: Benign. Last evaluated: 2026-01-26. Review status: criteria provided, single submitter. Criteria: Invitae Variant Classification Sherloc (09022015). Collection method: clinical testing. Allele origin: germline.

Breakthrough Genomics
Classification: Benign. Review status: criteria provided, single submitter. Criteria: ACMG Guidelines, 2015. Collection method: not provided. Allele origin: germline. Inheritance: Autosomal dominant inheritance. Affected: yes.